The following is an entry in ClinVar:

ClinVar aggregate classification (germline): Uncertain significance (1 of 4 stars; one submission).

gnomAD v4.1: 5 of 1,613,570 alleles (0.00031%); highest among the groups gnomAD compares: Admixed American, 0.0083%; no homozygotes.

Submission:

GeneDx
Classification: Uncertain significance. Last evaluated: 2024-03-24. Review status: criteria provided, single submitter. Criteria: GeneDx Variant Classification Process June 2021. Collection method: clinical testing. Allele origin: germline. Affected: yes.
Comment: Not observed at significant frequency in large population cohorts (gnomAD); In silico analysis supports that this missense variant does not alter protein structure/function; In silico analysis suggests this variant may impact gene splicing. In the absence of RNA/functional studies, the actual effect of this sequence change is unknown.; Has not been previously published as pathogenic or benign to our knowledge

NM_001084.5(PLOD3):c.401G>A (p.Ser134Asn)

Gene: PLOD3 (procollagen-lysine,2-oxoglutarate 5-dioxygenase 3; minus strand). Cytogenetic location: 7q22.1.
Variant type: single nucleotide variant.
Coding change: c.401G>A on transcript NM_001084.5 (MANE Select); coding-DNA position 401, G replaced by A.
Protein change: p.Ser134Asn; replaces serine 134 with asparagine.
Molecular consequence: missense variant.
Genome position (GRCh38, 1-based): chr7:101,216,264, C>T on the plus strand (G>A on the coding strand, the complement: PLOD3 is on the minus strand). VCF-style: chr7-101216264-C-T. GRCh37 (hg19) VCF-style: chr7-100859545-C-T.
Other names: short protein forms S134N.
Identifiers: ClinVar variation 3371457 (VCV003371457.1).